The following is an entry in ClinVar:

ClinVar aggregate classification (germline): Likely benign (0 of 4 stars; one submission).

Conditions:
PIK3C2B-related disorder. Also called: PIK3C2B-related condition.

Allele frequency attached by ClinVar (database versions not stated): ESP Exome Variant Server 0.00016; gnomAD exomes 0.00017; gnomAD 0.00019; TOPMed 0.00021; ExAC 0.00022; 1000 Genomes Project 30x 0.00062; 1000 Genomes Project 0.00080.

Submission:

PreventionGenetics, part of Exact Sciences
Classification: Likely benign for PIK3C2B-related condition. Last evaluated: 2019-12-16. Review status: no assertion criteria provided. Collection method: clinical testing. Allele origin: germline.
Comment: This variant is classified as likely benign based on ACMG/AMP sequence variant interpretation guidelines (Richards et al. 2015 PMID: 25741868, with internal and published modifications).

NM_001377334.1(PIK3C2B):c.1311-6_1311-5del

Gene: PIK3C2B (phosphatidylinositol-4-phosphate 3-kinase catalytic subunit type 2 beta; minus strand). Cytogenetic location: 1q32.1.
Variant type: Deletion.
Coding change: c.1311-6_1311-5del on transcript NM_001377334.1 (MANE Select); 6 bases into the intron before coding-DNA position 1311 through 5 bases into the intron before coding-DNA position 1311, 2 bases deleted (TA; older notation c.1311-6_1311-5delTA).
Molecular consequence: intron variant.
Genome position (GRCh38, 1-based): chr1:204,460,666-204,460,667, TA deleted on the plus strand (TA on the coding strand, the reverse complement: PIK3C2B is on the minus strand). VCF-style (leftmost placement, unchanged base first): chr1-204460665-GTA-G. GRCh37 (hg19) VCF-style: chr1-204429793-GTA-G.
Other names: c.1311-6_1311-5del (NM_001377335.1, NM_002646.4).
Identifiers: ClinVar variation 3049018 (VCV003049018.2), dbSNP rs547218415, ClinGen allele CA1348029.